The following is an entry in ClinVar:

NM_004341.5(CAD):c.461A>G (p.Asn154Ser)

Gene: CAD (carbamoyl-phosphate synthetase 2, aspartate transcarbamylase, and dihydroorotase; plus strand). Cytogenetic location: 2p23.3.
Variant type: single nucleotide variant.
Coding change: c.461A>G on transcript NM_004341.5 (MANE Select); coding-DNA position 461, A replaced by G.
Protein change: p.Asn154Ser; replaces asparagine 154 with serine.
Molecular consequence: missense variant.
Genome position (GRCh38, 1-based): chr2:27,222,302, A>G. VCF-style: chr2-27222302-A-G. GRCh37 (hg19) VCF-style: chr2-27445170-A-G.
Other names: c.461A>G, p.Asn154Ser (NM_001306079.2); short protein forms N154S.
Identifiers: ClinVar variation 1032897 (VCV001032897.32), dbSNP rs147694325, ClinGen allele CA1572419.

ClinVar aggregate classification (germline): Uncertain significance. Review status: criteria provided, multiple submitters, no conflicts (2 of 4 stars). 6 submissions from 6 submitters: Uncertain significance (6). Last evaluated 2025-09-30.

Conditions:
Developmental and epileptic encephalopathy, 50 (DEE50). Also called: Epileptic encephalopathy, early infantile, 50. Identifiers: Orphanet 448010, MedGen C4225320, MONDO:0014647, OMIM 616457.
Inborn genetic diseases. Identifiers: MedGen C0950123, MeSH D030342.

Allele frequency attached by ClinVar (database versions not stated): ESP Exome Variant Server 0.00015; ExAC 0.00017; gnomAD exomes 0.00023 and 0.00031; gnomAD 0.00027 and 0.00028; TOPMed 0.00029; 1000 Genomes Project 30x 0.00031; 1000 Genomes Project 0.00040.
gnomAD v4.1: 494 of 1,613,376 alleles (0.031%); highest among the groups gnomAD compares: Middle Eastern, 0.099%; no homozygotes.

Submissions (6):

GeneDx
Classification: Uncertain significance. Last evaluated: 2025-09-30. Review status: criteria provided, single submitter. Criteria: GeneDx Variant Classification Process June 2021. Collection method: clinical testing. Allele origin: germline. Affected: yes.
Comment: In silico analysis supports that this missense variant has a deleterious effect on protein structure/function; Has not been previously published as pathogenic or benign to our knowledge

Ambry Genetics
Classification: Uncertain significance for Inborn genetic diseases. Last evaluated: 2025-04-10. Review status: criteria provided, single submitter. Criteria: Ambry Variant Classification Scheme 2023. Collection method: clinical testing. Allele origin: germline.

Labcorp Genetics (formerly Invitae), Labcorp
Classification: Uncertain significance. Last evaluated: 2025-01-06. Review status: criteria provided, single submitter. Criteria: Invitae Variant Classification Sherloc (09022015). Collection method: clinical testing. Allele origin: germline.
Comment: This sequence change replaces asparagine, which is neutral and polar, with serine, which is neutral and polar, at codon 154 of the CAD protein (p.Asn154Ser). This variant is present in population databases (rs147694325, gnomAD 0.04%). This variant has not been reported in the literature in individuals affected with CAD-related conditions. ClinVar contains an entry for this variant (Variation ID: 1032897). Invitae Evidence Modeling of protein sequence and biophysical properties (such as structural, functional, and spatial information, amino acid conservation, physicochemical variation, residue mobility, and thermodynamic stability) indicates that this missense variant is not expected to disrupt CAD protein function with a negative predictive value of 80%. In summary, the available evidence is currently insufficient to determine the role of this variant in disease. Therefore, it has been classified as a Variant of Uncertain Significance.

Blueprint Genetics
Classification: Uncertain significance. Last evaluated: 2024-11-07. Review status: criteria provided, single submitter. Criteria: ACMG Guidelines, 2015. Collection method: clinical testing. Allele origin: germline.

CeGaT Center for Human Genetics Tuebingen
Classification: Uncertain significance. Last evaluated: 2023-02-01. Review status: criteria provided, single submitter. Criteria: CeGaT Center For Human Genetics Tuebingen Variant Classification Criteria Version 2. Collection method: clinical testing. Allele origin: germline. Affected: yes. Observed: 1 variant allele.
Comment: CAD: PM2

Baylor Genetics
Classification: Uncertain significance for Developmental and epileptic encephalopathy, 50. Last evaluated: 2018-10-05. Review status: criteria provided, single submitter. Criteria: ACMG Guidelines, 2015. Collection method: clinical testing. Allele origin: maternal. Affected: yes.
Comment: This variant was determined to be of uncertain significance according to ACMG Guidelines, 2015 [PMID:25741868].